The following is an entry in ClinVar:

ClinVar aggregate classification (germline): Uncertain significance (1 of 4 stars; one submission).

Conditions:
Pitt-Hopkins-like syndrome 2 (PTHSL2). Identifiers: Orphanet 221150, Orphanet 600663, MedGen C3280479, MONDO:0013690, OMIM 614325.

Submission:

Labcorp Genetics (formerly Invitae), Labcorp
Classification: Uncertain significance for Pitt-Hopkins-like syndrome 2. Last evaluated: 2024-02-02. Review status: criteria provided, single submitter. Criteria: Invitae Variant Classification Sherloc (09022015). Collection method: clinical testing. Allele origin: germline.
Comment: This sequence change replaces glycine, which is neutral and non-polar, with glutamic acid, which is acidic and polar, at codon 1225 of the NRXN1 protein (p.Gly1225Glu). This variant is not present in population databases (gnomAD no frequency). This variant has not been reported in the literature in individuals affected with NRXN1-related conditions. Advanced modeling of protein sequence and biophysical properties (such as structural, functional, and spatial information, amino acid conservation, physicochemical variation, residue mobility, and thermodynamic stability) performed at Invitae indicates that this missense variant is expected to disrupt NRXN1 protein function with a positive predictive value of 80%. In summary, the available evidence is currently insufficient to determine the role of this variant in disease. Therefore, it has been classified as a Variant of Uncertain Significance.

NM_001330078.2(NRXN1):c.3554G>A (p.Gly1185Glu)

Gene: NRXN1 (neurexin 1; minus strand). Cytogenetic location: 2p16.3.
Variant type: single nucleotide variant.
Coding change: c.3554G>A on transcript NM_001330078.2 (MANE Select); coding-DNA position 3554, G replaced by A.
Protein change: p.Gly1185Glu; replaces glycine 1185 with glutamic acid.
Molecular consequence: missense variant.
Genome position (GRCh38, 1-based): chr2:50,091,487, C>T on the plus strand (G>A on the coding strand, the complement: NRXN1 is on the minus strand). VCF-style: chr2-50091487-C-T. GRCh37 (hg19) VCF-style: chr2-50318625-C-T.
Other names: c.3674G>A, p.Gly1225Glu (NM_001135659.3); c.3530G>A, p.Gly1177Glu (NM_001330077.2, NM_001330082.2); c.3488G>A, p.Gly1163Glu (NM_001330083.2, NM_001330084.2); c.3527G>A, p.Gly1176Glu (NM_001330085.2); c.3554G>A, p.Gly1185Glu (NM_001330086.2, NM_004801.6); c.3443G>A, p.Gly1148Glu (NM_001330087.2, NM_001330096.2); c.3473G>A, p.Gly1158Glu (NM_001330088.2); c.449G>A, p.Gly150Glu (NM_001330091.2, NM_001330092.2, NM_001330097.2 and 1 more transcripts); and 3 more; short protein forms G1176E, G1184E, G1225E, G1185E, G1148E, G1158E, G1177E, G1181E.
Identifiers: ClinVar variation 3638318 (VCV003638318.2).
Genomic context (GRCh38, chr2:50,091,487, plus strand): 5'-GCATTGGATTCTTCAATGGCGATGTCATCTGTCCCAACATTAAACTTAACTCCAATTTTT[C>T]CCTGGTGCTGTAAGAGAGGAGGGGAAAAAAGAGTTGAATTAAGTTGACTAGTCACCATTT-3'
Protein context (NP_001317007.1, residues 1175-1195): GDYLELHIHQ[Gly1185Glu]KIGVKFNVGT